The following is an entry in ClinVar:

NM_173598.6(KSR2):c.268C>A (p.Pro90Thr)

Gene: KSR2 (kinase suppressor of ras 2; minus strand). Cytogenetic location: 12q24.23.
Variant type: single nucleotide variant.
Coding change: c.268C>A on transcript NM_173598.6 (MANE Select); coding-DNA position 268, C replaced by A.
Protein change: p.Pro90Thr; replaces proline 90 with threonine.
Molecular consequence: missense variant.
Genome position (GRCh38, 1-based): chr12:117,860,344, G>T on the plus strand (C>A on the coding strand, the complement: KSR2 is on the minus strand). VCF-style: chr12-117860344-G-T. GRCh37 (hg19) VCF-style: chr12-118298149-G-T.
Other names: short protein forms P90T.
Identifiers: ClinVar variation 4993657 (VCV004993657.1).

ClinVar aggregate classification (germline): Uncertain significance (1 of 4 stars; one submission).

Conditions:
KSR2-related disorder. Also called: KSR2-related condition.

Submission:

PreventionGenetics, part of Exact Sciences
Classification: Uncertain significance for KSR2-related condition. Last evaluated: 2026-06-06. Review status: criteria provided, single submitter. Criteria: ACMG Guidelines, 2015. Collection method: clinical testing. Allele origin: germline.
Comment: The KSR2 c.181C>A variant is predicted to result in the amino acid substitution p.Pro61Thr. To our knowledge, this variant has not been reported in the literature or in a large population database (gnomAD), indicating this variant is rare. At this time, the clinical significance of this variant is uncertain due to the absence of conclusive functional and genetic evidence.